The following is an entry in ClinVar:

NM_000089.4(COL1A2):c.2717G>A (p.Arg906His)

Gene: COL1A2 (collagen type I alpha 2 chain; plus strand). Cytogenetic location: 7q21.3.
Variant type: single nucleotide variant.
Coding change: c.2717G>A on transcript NM_000089.4 (MANE Select); coding-DNA position 2717, G replaced by A.
Protein change: p.Arg906His; replaces arginine 906 with histidine.
Molecular consequence: missense variant.
Genome position (GRCh38, 1-based): chr7:94,425,160, G>A. VCF-style: chr7-94425160-G-A. GRCh37 (hg19) VCF-style: chr7-94054472-G-A.
Other names: LRG_2t1:c.2717G>A; short protein forms R906H.
Identifiers: ClinVar variation 487454 (VCV000487454.17), dbSNP rs147063981, ClinGen allele CA4347542.

ClinVar aggregate classification (germline): Uncertain significance. Review status: criteria provided, multiple submitters, no conflicts (2 of 4 stars). 5 submissions from 5 submitters: Uncertain significance (5). Last evaluated 2025-09-09.

Conditions:
Osteogenesis imperfecta type I (OI1). Also called: OI, TYPE I; OSTEOGENESIS IMPERFECTA TARDA; OSTEOGENESIS IMPERFECTA WITH BLUE SCLERAE; Osteogenesis imperfecta type 1; Classic Non-deforming Osteogenesis Imperfecta with Blue Sclerae; Lobstein disease. Identifiers: Orphanet 216796, Orphanet 666, MedGen C0023931, MONDO:0008146, OMIM 166200. Disease mechanism: loss of function.
Ehlers-Danlos syndrome, classic type, 1 (EDSCL1). Also called: Ehlers-Danlos Syndrome, Classic Type, COL5A1-Related; EDS I; EHLERS-DANLOS SYNDROME, GRAVIS TYPE; EHLERS-DANLOS SYNDROME, SEVERE CLASSIC TYPE; Ehlers-Danlos syndrome, type 1. Identifiers: MedGen C0268335, MONDO:0019567, OMIM 130000.
Cardiovascular phenotype. Identifiers: MedGen CN230736.

Allele frequency attached by ClinVar (database versions not stated): gnomAD 0.00010 and 0.00015; gnomAD exomes 0.00017; 1000 Genomes Project 30x 0.00047; TOPMed 0.00010; ExAC 0.00012; ESP Exome Variant Server 0.00015; 1000 Genomes Project 0.00060.
gnomAD v4.1: 229 of 1,614,068 alleles (0.014%); highest among the groups gnomAD compares: East Asian, 0.029%; 1 homozygote.

Submissions (5):

Labcorp Genetics (formerly Invitae), Labcorp
Classification: Uncertain significance for Osteogenesis imperfecta type I; Ehlers-Danlos syndrome, classic type, 1. Last evaluated: 2025-09-09. Review status: criteria provided, single submitter. Criteria: Invitae Variant Classification Sherloc (09022015). Collection method: clinical testing. Allele origin: germline.
Comment: This sequence change replaces arginine, which is basic and polar, with histidine, which is basic and polar, at codon 906 of the COL1A2 protein (p.Arg906His). This variant is present in population databases (rs147063981, gnomAD 0.05%), including at least one homozygous and/or hemizygous individual. This missense change has been observed in individual(s) with osteogenesis imperfecta (PMID: 25289482). ClinVar contains an entry for this variant (Variation ID: 487454). Invitae Evidence Modeling of protein sequence and biophysical properties (such as structural, functional, and spatial information, amino acid conservation, physicochemical variation, residue mobility, and thermodynamic stability) indicates that this missense variant is expected to disrupt COL1A2 protein function with a positive predictive value of 95%. In summary, the available evidence is currently insufficient to determine the role of this variant in disease. Therefore, it has been classified as a Variant of Uncertain Significance.

Ambry Genetics
Classification: Uncertain significance for Cardiovascular phenotype. Last evaluated: 2025-07-11. Review status: criteria provided, single submitter. Criteria: Ambry Variant Classification Scheme 2023. Collection method: clinical testing. Allele origin: germline.
Comment: The p.R906H variant (also known as c.2717G>A), located in coding exon 42 of the COL1A2 gene, results from a G to A substitution at nucleotide position 2717. The arginine at codon 906 is replaced by histidine, an amino acid with highly similar properties. This amino acid position is highly conserved in available vertebrate species. In addition, this alteration is predicted to be deleterious by in silico analysis. Based on the available evidence, the clinical significance of this variant remains unclear for autosomal recessive COL1A2-related cardiac valvular type Ehlers-Danlos syndrome; however, it is unlikely to be causative of autosomal dominant COL1A2-related osteogenesis imperfecta/overlap disorder.

GeneDx
Classification: Uncertain significance. Last evaluated: 2024-05-13. Review status: criteria provided, single submitter. Criteria: GeneDx Variant Classification Process June 2021. Collection method: clinical testing. Allele origin: germline. Affected: yes.
Comment: Has been reported as a variant of uncertain significance in a child with OI type IV (Lindahl et a., 2015), and in a fetus with OI type III (Wu et al., 2015); Occurs in the triple helical domain at the Y position in the canonical Gly-X-Y repeat; although this variant may have an effect on normal protein folding and function, missense substitution at the Y position is not a common mechanism of disease (HGMD); In silico analysis supports that this missense variant has a deleterious effect on protein structure/function; This variant is associated with the following publications: (PMID: 25944380, 25289482)

Clinical Genetics Laboratory, Skane University Hospital Lund
Classification: Uncertain significance. Last evaluated: 2022-05-27. Review status: criteria provided, single submitter. Criteria: ACMG Guidelines, 2015. Collection method: clinical testing. Allele origin: germline. Affected: yes.

Genomic Research Center, Shahid Beheshti University of Medical Sciences
Classification: Uncertain significance. Last evaluated: 2019-04-27. Review status: criteria provided, single submitter. Criteria: ACMG Guidelines, 2015. Collection method: clinical testing. Allele origin: unknown. Affected: yes.

Literature cited by the submitters: PubMed 25289482 (cited by Labcorp Genetics (formerly Invitae), Labcorp).